The following is an entry in ClinVar:

NM_001370259.2(MEN1):c.1468G>A (p.Glu490Lys)

Gene: MEN1 (menin 1; minus strand). Cytogenetic location: 11q13.1.
Variant type: single nucleotide variant.
Coding change: c.1468G>A on transcript NM_001370259.2 (MANE Select); coding-DNA position 1468, G replaced by A.
Protein change: p.Glu490Lys; replaces glutamic acid 490 with lysine.
Molecular consequence: missense variant. On other transcripts: non-coding transcript variant (4).
Genome position (GRCh38, 1-based): chr11:64,804,699, C>T on the plus strand (G>A on the coding strand, the complement: MEN1 is on the minus strand). VCF-style: chr11-64804699-C-T. GRCh37 (hg19) VCF-style: chr11-64572171-C-T.
Other names: c.1483G>A, p.Glu495Lys (NM_000244.4, NM_001407145.1, NM_130800.3 and 4 more transcripts); c.1594G>A, p.Glu532Lys (NM_001370251.2, NM_001407142.1, NM_001407143.1 and 1 more transcripts); c.1468G>A, p.Glu490Lys (NM_001370260.2, NM_001370261.2, NM_130799.3 and 2 more transcripts); c.1363G>A, p.Glu455Lys (NM_001370262.2, NM_001370263.2, NM_001407148.1 and 1 more transcripts); c.1609G>A, p.Glu537Lys (NM_001407150.1); c.1489G>A, p.Glu497Lys (NM_001407151.1); c.1303G>A, p.Glu435Lys (NM_001407152.1); short protein forms E435K, E495K, E532K, E537K, E490K, E497K, E455K.
Identifiers: ClinVar variation 2564982 (VCV002564982.2), dbSNP rs2497122520, ClinGen allele CA381179123.
Genomic context (GRCh38, chr11:64,804,699, plus strand): 5'-CACCCTGGCCGGTGCCCAGGCCCTTGTCCAGTGCTGGCTTCTTGGGCGGCGGGGGCTCCT[C>T]TGGCTTGGACTCCCGCCGTGGGCCCCGCCGCCGGCCTTCCCGGGCTTCCTCGCCCCACGG-3'
Protein context (NP_001357188.2, residues 480-500): RRGPRRESKP[Glu490Lys]EPPPPKKPAL

ClinVar aggregate classification (germline): Uncertain significance (1 of 4 stars; one submission).

Conditions:
Hereditary cancer-predisposing syndrome. Also called: Neoplastic Syndromes, Hereditary; Hereditary Cancer Syndrome; Hereditary neoplastic syndrome; Tumor predisposition. Identifiers: Orphanet 140162, MedGen C0027672, MeSH D009386, MONDO:0015356.

Submission:

Ambry Genetics
Classification: Uncertain significance for Hereditary cancer-predisposing syndrome. Last evaluated: 2023-05-06. Review status: criteria provided, single submitter. Criteria: Ambry Variant Classification Scheme 2023. Collection method: clinical testing. Allele origin: germline.
Comment: The p.E490K variant (also known as c.1468G>A), located in coding exon 9 of the MEN1 gene, results from a G to A substitution at nucleotide position 1468. The glutamic acid at codon 490 is replaced by lysine, an amino acid with similar properties. This amino acid position is conserved. In addition, the in silico prediction for this alteration is inconclusive. Since supporting evidence is limited at this time, the clinical significance of this alteration remains unclear.